The following is an entry in ClinVar:

ClinVar aggregate classification (germline): Conflicting classifications of pathogenicity. Review status: criteria provided, conflicting classifications (1 of 4 stars). 3 submissions from 3 submitters: Uncertain significance (2); Likely benign (1). Last evaluated 2023-09-14.

Conditions:
Hereditary cancer-predisposing syndrome. Also called: Hereditary neoplastic syndrome; Tumor predisposition; Hereditary Cancer Syndrome; Neoplastic Syndromes, Hereditary. Identifiers: Orphanet 140162, MedGen C0027672, MeSH D009386, MONDO:0015356.
Carney complex, type 1 (CNC1). Also called: CARNEY COMPLEX, TYPE I; CARNEY MYXOMA-ENDOCRINE COMPLEX. Identifiers: Orphanet 1359, MedGen C2607929, MONDO:0008057, OMIM 160980.

Submissions (3):

Ambry Genetics
Classification: Likely benign for Hereditary cancer-predisposing syndrome. Last evaluated: 2023-09-14. Review status: criteria provided, single submitter. Criteria: Ambry Variant Classification Scheme 2023. Collection method: clinical testing. Allele origin: germline.

GeneDx
Classification: Uncertain significance. Last evaluated: 2022-11-15. Review status: criteria provided, single submitter. Criteria: GeneDx Variant Classification Process June 2021. Collection method: clinical testing. Allele origin: germline. Affected: yes.
Comment: Not observed at significant frequency in large population cohorts (gnomAD); Has not been previously published as pathogenic or benign to our knowledge; In silico analysis is inconclusive as to whether the variant alters gene splicing. In the absence of RNA/functional studies, the actual effect of this sequence change is unknown.

Labcorp Genetics (formerly Invitae), Labcorp
Classification: Uncertain significance for Carney complex, type 1. Last evaluated: 2022-08-03. Review status: criteria provided, single submitter. Criteria: Invitae Variant Classification Sherloc (09022015). Collection method: clinical testing. Allele origin: germline.
Comment: In summary, the available evidence is currently insufficient to determine the role of this variant in disease. Therefore, it has been classified as a Variant of Uncertain Significance. Algorithms developed to predict the effect of sequence changes on RNA splicing suggest that this variant may disrupt the consensus splice site. This variant has not been reported in the literature in individuals affected with PRKAR1A-related conditions. This variant is not present in population databases (gnomAD no frequency). This sequence change affects codon 60 of the PRKAR1A mRNA. It is a 'silent' change, meaning that it does not change the encoded amino acid sequence of the PRKAR1A protein.

NM_002734.5(PRKAR1A):c.180G>A (p.Glu60=)

Gene: PRKAR1A (protein kinase cAMP-dependent type I regulatory subunit alpha; plus strand). Cytogenetic location: 17q24.2.
Variant type: single nucleotide variant.
Coding change: c.180G>A on transcript NM_002734.5 (MANE Select); coding-DNA position 180, G replaced by A.
Protein change: p.Glu60=; no amino-acid change (glutamic acid 60 retained).
Molecular consequence: synonymous variant.
Genome position (GRCh38, 1-based): chr17:68,522,758, G>A. VCF-style: chr17-68522758-G-A. GRCh37 (hg19) VCF-style: chr17-66518899-G-A.
Other names: c.180G>A (NM_002734.3); c.180G>A, p.Glu60= (NM_001276289.2, NM_001276290.1, NM_001278433.2 and 4 more transcripts).
Identifiers: ClinVar variation 1948823 (VCV001948823.8), dbSNP rs2509398263, ClinGen allele CA501527557.